The following is an entry in ClinVar:

ClinVar aggregate classification (germline): Uncertain significance (1 of 4 stars; one submission).

Conditions:
Developmental and epileptic encephalopathy, 9 (DEE9). Also called: PCDH19-Related X-Linked Female-Limited Epilepsy with Mental Retardation; Early infantile epileptic encephalopathy 9; EPILEPSY, FEMALE-RESTRICTED, WITH MENTAL RETARDATION; JUBERG-HELLMAN SYNDROME. Identifiers: Orphanet 101039, Orphanet 2076, MedGen C1848137, MONDO:0010246, OMIM 300088. Disease mechanism: loss of function.

Allele frequency attached by ClinVar (database versions not stated): TOPMed below 0.00001.

Submission:

Labcorp Genetics (formerly Invitae), Labcorp
Classification: Uncertain significance for Developmental and epileptic encephalopathy, 9. Last evaluated: 2024-05-06. Review status: criteria provided, single submitter. Criteria: Invitae Variant Classification Sherloc (09022015). Collection method: clinical testing. Allele origin: germline.
Comment: This sequence change replaces aspartic acid, which is acidic and polar, with glutamic acid, which is acidic and polar, at codon 1007 of the PCDH19 protein (p.Asp1007Glu). This variant is not present in population databases (gnomAD no frequency). This variant has not been reported in the literature in individuals affected with PCDH19-related conditions. ClinVar contains an entry for this variant (Variation ID: 571607). Advanced modeling of protein sequence and biophysical properties (such as structural, functional, and spatial information, amino acid conservation, physicochemical variation, residue mobility, and thermodynamic stability) performed at Invitae indicates that this missense variant is not expected to disrupt PCDH19 protein function with a negative predictive value of 95%. In summary, the available evidence is currently insufficient to determine the role of this variant in disease. Therefore, it has been classified as a Variant of Uncertain Significance.

NM_001184880.2(PCDH19):c.3021C>G (p.Asp1007Glu)

Gene: PCDH19 (protocadherin 19; minus strand). Cytogenetic location: Xq22.1.
Variant type: single nucleotide variant.
Coding change: c.3021C>G on transcript NM_001184880.2 (MANE Select); coding-DNA position 3021, C replaced by G.
Protein change: p.Asp1007Glu; replaces aspartic acid 1007 with glutamic acid.
Molecular consequence: missense variant.
Genome position (GRCh38, 1-based): chrX:100,296,703, G>C on the plus strand (C>G on the coding strand, the complement: PCDH19 is on the minus strand). VCF-style: chrX-100296703-G-C. GRCh37 (hg19) VCF-style: chrX-99551701-G-C.
Other names: c.2880C>G, p.Asp960Glu (NM_001105243.2); c.2877C>G, p.Asp959Glu (NM_020766.3); short protein forms D1007E, D959E, D960E.
Identifiers: ClinVar variation 571607 (VCV000571607.12), dbSNP rs1569284419, ClinGen allele CA414000621.